The following is an entry in ClinVar:

ClinVar aggregate classification (germline): Uncertain significance (0 of 4 stars; one submission).

Conditions:
Orofacial cleft 10 (OFC10). Also called: CLEFT LIP WITH OR WITHOUT CLEFT PALATE, NONSYNDROMIC, 10. Identifiers: MedGen C1866070, MONDO:0013378, OMIM 613705.
Selective tooth agenesis. Identifiers: MedGen C1970308, HP:0001592.

Submission:

Pharmacology and Genetics Laboratory, Bauru School of Dentistry, University of Sao Paulo
Classification: Uncertain significance for Orofacial cleft 10; Selective tooth agenesis. Review status: no assertion criteria provided. Collection method: case-control. Allele origin: unknown. Affected: yes. Observed: 1 variant allele.
Comment: In silico analysis revealed polyphen prediction probably damage with polyphen score 1.000. Provean protein Batch - SIFT was predicted as tolerated with score 0.59. Mutation tester predicted disease causing.

Literature cited by the submitters: PubMed 27834299; PubMed 26346622; PubMed 28762674.

NM_006147.4(IRF6):c.273A>T (p.Arg91Ser)

Gene: IRF6 (interferon regulatory factor 6; minus strand). Cytogenetic location: 1q32.2.
Variant type: single nucleotide variant.
Coding change: c.273A>T on transcript NM_006147.4 (MANE Select); coding-DNA position 273, A replaced by T.
Protein change: p.Arg91Ser; replaces arginine 91 with serine.
Molecular consequence: missense variant. On other transcripts: 5 prime UTR variant (1).
Genome position (GRCh38, 1-based): chr1:209,796,454, T>A on the plus strand (A>T on the coding strand, the complement: IRF6 is on the minus strand). VCF-style: chr1-209796454-T-A. GRCh37 (hg19) VCF-style: chr1-209969799-T-A.
Other names: c.-13A>T (NM_001206696.2); short protein forms R91S.
Identifiers: ClinVar variation 559487 (VCV000559487.2), dbSNP rs1553248262, ClinGen allele CA344583183.